The following is an entry in ClinVar:

ClinVar aggregate classification (germline): Pathogenic. Review status: reviewed by expert panel (3 of 4 stars). 10 submissions from 10 submitters: Pathogenic (1). 9 of the submissions do not count toward it. Last evaluated 2016-09-08.

Conditions:
Hereditary cancer-predisposing syndrome. Also called: Hereditary Cancer Syndrome; Hereditary neoplastic syndrome; Neoplastic Syndromes, Hereditary; Tumor predisposition. Identifiers: Orphanet 140162, MedGen C0027672, MeSH D009386, MONDO:0015356.
Breast-ovarian cancer, familial, susceptibility to, 1 (BROVCA1). Also called: BRCA1 Hereditary Breast and Ovarian Cancer; OVARIAN CANCER, SUSCEPTIBILITY TO. Identifiers: Orphanet 145, MedGen C2676676, MONDO:0011450, OMIM 604370. Disease mechanism: loss of function.
Hereditary breast ovarian cancer syndrome. Also called: BRCA1- and BRCA2-Associated Hereditary Breast and Ovarian Cancer; Hereditary breast and ovarian cancer syndrome; Hereditary breast and ovarian cancer syndrome (HBOC); Breast and ovarian cancer; Hereditary breast and/or ovarian cancer syndrome; Hereditary breast and ovarian cancer. Identifiers: Orphanet 145, MedGen C0677776, MeSH D061325, MONDO:0003582. Disease mechanism: loss of function.

Submissions (10):

Evidence-based Network for the Interpretation of Germline Mutant Alleles (ENIGMA)
Classification: Pathogenic for Breast-ovarian cancer, familial, susceptibility to, 1. Last evaluated: 2016-09-08. Review status: reviewed by expert panel. Criteria: ENIGMA BRCA1/2 Classification Criteria (2015). Collection method: curation. Allele origin: germline.
Comment: Variant allele predicted to encode a truncated non-functional protein.

Clinical Genomics Laboratory, Washington University in St. Louis
Classification: Pathogenic for Breast-ovarian cancer, familial, susceptibility to, 1. Last evaluated: 2025-06-30. Review status: criteria provided, single submitter. Criteria: ACMG Guidelines, 2015. Collection method: clinical testing. Allele origin: germline. Affected: yes. Not counted in ClinVar's aggregate classification.
Comment: The BRCA1 c.391A>T (p.Arg131Ter) variant has been reported in two unrelated individuals affected with familial breast-ovarian cancer (Judkins T et al., PMID: 16267036; Rebbeck TR et al., PMID: 29446198). This variant is absent from the general population (gnomAD v4.1.0), indicating it is not a common variant. This variant causes a premature termination codon, which is predicted to lead to nonsense mediated decay. This variant has been classified as pathogenic in the ClinVar database by an expert panel and eight additional submitters. Based on available information and the ENIGMA BRCA1 and BRCA2 Expert Panel Specifications for BRCA1 variant classification (Parsons MT et al., PMID: 39142283), this variant is classified as pathogenic.

Baylor Genetics
Classification: Pathogenic for Breast-ovarian cancer, familial, susceptibility to, 1. Last evaluated: 2023-07-06. Review status: criteria provided, single submitter. Criteria: ACMG Guidelines, 2015. Collection method: clinical testing. Allele origin: unknown. Not counted in ClinVar's aggregate classification.

Labcorp Genetics (formerly Invitae), Labcorp
Classification: Pathogenic for Hereditary breast ovarian cancer syndrome. Last evaluated: 2022-10-25. Review status: criteria provided, single submitter. Criteria: Invitae Variant Classification Sherloc (09022015). Collection method: clinical testing. Allele origin: germline. Not counted in ClinVar's aggregate classification.
Comment: ClinVar contains an entry for this variant (Variation ID: 55050). For these reasons, this variant has been classified as Pathogenic. This premature translational stop signal has been observed in individual(s) with BRCA1-related conditions (PMID: 29446198). This sequence change creates a premature translational stop signal (p.Arg131*) in the BRCA1 gene. It is expected to result in an absent or disrupted protein product. Loss-of-function variants in BRCA1 are known to be pathogenic (PMID: 20104584). This variant is not present in population databases (gnomAD no frequency).

Ambry Genetics
Classification: Pathogenic for Hereditary cancer-predisposing syndrome. Last evaluated: 2022-03-25. Review status: criteria provided, single submitter. Criteria: Ambry Variant Classification Scheme 2023. Collection method: clinical testing. Allele origin: germline. Not counted in ClinVar's aggregate classification.
Comment: The p.R131* pathogenic mutation (also known as c.391A>T), located in coding exon 5 of the BRCA1 gene, results from an A to T substitution at nucleotide position 391. This changes the amino acid from an arginine to a stop codon within coding exon 5. This alteration was identified in a large, worldwide study of BRCA1/2 mutation positive families (Rebbeck TR et al. Hum Mutat, 2018 05;39:593-620). This variant is considered to be rare based on population cohorts in the Genome Aggregation Database (gnomAD). In addition to the clinical data presented in the literature, this alteration is expected to result in loss of function by premature protein truncation or nonsense-mediated mRNA decay. As such, this alteration is interpreted as a disease-causing mutation.

Quest Diagnostics Nichols Institute San Juan Capistrano
Classification: Pathogenic. Last evaluated: 2019-09-23. Review status: criteria provided, single submitter. Criteria: Quest Diagnostics criteria. Collection method: clinical testing. Allele origin: unknown. Not counted in ClinVar's aggregate classification.
Comment: The BRCA1 c.391A>T (p.Arg131*) variant causes the premature termination of BRCA1 protein synthesis. This variant has been reported in the published literature in individuals and families affected with breast or ovarian cancer in the published literature (PMID: 29446198 (2018) and 16267036 (2005)). This variant has not been reported in large, multi-ethnic general populations (Genome Aggregation Database). Based on the available information, this variant is classified as pathogenic.

Women's Health and Genetics/Laboratory Corporation of America, LabCorp
Classification: Pathogenic for Hereditary breast and ovarian cancer syndrome. Last evaluated: 2018-07-24. Review status: criteria provided, single submitter. Criteria: LabCorp Variant Classification Summary - May 2015. Collection method: clinical testing. Allele origin: germline. Not counted in ClinVar's aggregate classification.
Comment: Variant summary: BRCA1 c.391A>T (p.Arg131X) results in a premature termination codon, predicted to cause a truncation of the encoded protein or absence of the protein due to nonsense mediated decay, which are commonly known mechanisms for disease. Truncations downstream of this position have been classified as pathogenic by our laboratory (eg. p.E143*, p.E149*, and p.Q155*). The variant was absent in 246248 control chromosomes (gnomAD). The variant, c.391A>T, has been reported in the literature in individuals affected with Hereditary Breast and Ovarian Cancer (Judkins_2005). These data do not allow any conclusion about variant significance. To our knowledge, no experimental evidence demonstrating an impact on protein function has been reported. Three clinical diagnostic laboratories have submitted clinical-significance assessments for this variant to ClinVar after 2014 without evidence for independent evaluation. All laboratories classified the variant as pathogenic. Based on the evidence outlined above, the variant was classified as pathogenic.

Consortium of Investigators of Modifiers of BRCA1/2 (CIMBA), c/o University of Cambridge
Classification: Pathogenic for Breast-ovarian cancer, familial, susceptibility to, 1. Last evaluated: 2015-10-02. Review status: criteria provided, single submitter. Criteria: CIMBA Mutation Classification guidelines May 2016. Collection method: clinical testing. Allele origin: germline. Not counted in ClinVar's aggregate classification.

Eurofins Ntd Llc (ga)
Classification: Pathogenic. Last evaluated: 2014-04-15. Review status: criteria provided, single submitter. Criteria: EGL Classification Definitions 2015. Collection method: clinical testing. Allele origin: germline. Observed: 1 variant allele, 1 heterozygote. Not counted in ClinVar's aggregate classification.

Breast Cancer Information Core (BIC) (BRCA1)
Classification: Pathogenic for Breast-ovarian cancer, familial 1. Last evaluated: 2006-07-19. Review status: no assertion criteria provided. Collection method: clinical testing. Allele origin: germline, unknown. Affected: yes. Observed: 2 variant alleles. Not counted in ClinVar's aggregate classification.

Literature cited by the submitters: PubMed 29446198 (cited by 3 submitters); PubMed 20104584 (cited by Labcorp Genetics (formerly Invitae), Labcorp); PubMed 16267036 (cited by Quest Diagnostics Nichols Institute San Juan Capistrano and Women's Health and Genetics/Laboratory Corporation of America, LabCorp).

NM_007294.4(BRCA1):c.391A>T (p.Arg131Ter)

Gene: BRCA1 (BRCA1 DNA repair associated; minus strand). Cytogenetic location: 17q21.31.
Variant type: single nucleotide variant.
Coding change: c.391A>T on transcript NM_007294.4 (MANE Select); coding-DNA position 391, A replaced by T.
Protein change: p.Arg131Ter; replaces arginine 131 with a stop codon.
Molecular consequence: nonsense. On other transcripts: non-coding transcript variant (1).
Genome position (GRCh38, 1-based): chr17:43,104,172, T>A on the plus strand (A>T on the coding strand, the complement: BRCA1 is on the minus strand). VCF-style: chr17-43104172-T-A. GRCh37 (hg19) VCF-style: chr17-41256189-T-A.
Other names: NP_009225.1:p.Arg131*; c.181A>T, p.Arg61Ter (NM_001407571.1, NM_001407853.1, NM_001407879.1 and 58 more transcripts); c.391A>T, p.Arg131Ter (NM_001407581.1, NM_001407582.1, NM_001407583.1 and 165 more transcripts); c.382A>T, p.Arg128Ter (NM_001407646.1, NM_001407647.1, NM_001408408.1); c.313A>T, p.Arg105Ter (NM_001407653.1, NM_001407654.1, NM_001407655.1 and 21 more transcripts); c.250A>T, p.Arg84Ter (NM_001407692.1, NM_001407694.1, NM_001407695.1 and 99 more transcripts); c.10A>T, p.Arg4Ter (NM_001407959.1, NM_001407960.1, NM_001407962.1 and 4 more transcripts); c.259A>T, p.Arg87Ter (NM_001408451.1); short protein forms R131*, R84*, R105*, R61*, R128*, R87*, R4*.
Identifiers: ClinVar variation 55050 (VCV000055050.24), dbSNP rs80357207, ClinGen allele CA002521.